The following is an entry in ClinVar:

NM_000455.5(STK11):c.767A>T (p.Glu256Val)

Gene: STK11 (serine/threonine kinase 11; plus strand). Cytogenetic location: 19p13.3.
Variant type: single nucleotide variant.
Coding change: c.767A>T on transcript NM_000455.5 (MANE Select); coding-DNA position 767, A replaced by T.
Protein change: p.Glu256Val; replaces glutamic acid 256 with valine.
Molecular consequence: missense variant.
Genome position (GRCh38, 1-based): chr19:1,221,245, A>T. VCF-style: chr19-1221245-A-T. GRCh37 (hg19) VCF-style: chr19-1221244-A-T.
Other names: short protein forms E256V.
Identifiers: ClinVar variation 1192238 (VCV001192238.3), dbSNP rs2145426849, ClinGen allele CA402950421.

ClinVar aggregate classification (germline): Uncertain significance. Review status: criteria provided, multiple submitters, no conflicts (2 of 4 stars). 2 submissions from 2 submitters: Uncertain significance (2). Last evaluated 2022-07-07.

Conditions:
Hereditary cancer-predisposing syndrome. Also called: Neoplastic Syndromes, Hereditary; Hereditary neoplastic syndrome; Hereditary Cancer Syndrome; Tumor predisposition. Identifiers: Orphanet 140162, MedGen C0027672, MeSH D009386, MONDO:0015356.

Submissions (2):

Ambry Genetics
Classification: Uncertain significance for Hereditary cancer-predisposing syndrome. Last evaluated: 2022-07-07. Review status: criteria provided, single submitter. Criteria: Ambry Variant Classification Scheme 2023. Collection method: clinical testing. Allele origin: germline.
Comment: The p.E256V variant (also known as c.767A>T), located in coding exon 6 of the STK11 gene, results from an A to T substitution at nucleotide position 767. The glutamic acid at codon 256 is replaced by valine, an amino acid with dissimilar properties. This amino acid position is highly conserved in available vertebrate species. In addition, this alteration is predicted to be deleterious by in silico analysis. Since supporting evidence is limited at this time, the clinical significance of this alteration remains unclear.

Women's Health and Genetics/Laboratory Corporation of America, LabCorp
Classification: Uncertain significance. Last evaluated: 2021-08-02. Review status: criteria provided, single submitter. Criteria: LabCorp Variant Classification Summary - May 2015. Collection method: clinical testing. Allele origin: germline.
Comment: Variant summary: STK11 c.767A>T (p.Glu256Val) results in a non-conservative amino acid change in the encoded protein sequence. Four of five in-silico tools predict a damaging effect of the variant on protein function. The variant was absent in 247610 control chromosomes. The available data on variant occurrences in the general population are insufficient to allow any conclusion about variant significance. To our knowledge, no occurrence of c.767A>T in individuals affected with Peutz-Jeghers Syndrome and no experimental evidence demonstrating its impact on protein function have been reported. No clinical diagnostic laboratories have submitted clinical-significance assessments for this variant to ClinVar after 2014. Based on the evidence outlined above, the variant was classified as uncertain significance.